The following is an entry in ClinVar:

ClinVar aggregate classification (germline): Uncertain significance (1 of 4 stars; one submission).

Submission:

Labcorp Genetics (formerly Invitae), Labcorp
Classification: Uncertain significance. Last evaluated: 2022-07-06. Review status: criteria provided, single submitter. Criteria: Invitae Variant Classification Sherloc (09022015). Collection method: clinical testing. Allele origin: germline.
Comment: In summary, the available evidence is currently insufficient to determine the role of this variant in disease. Therefore, it has been classified as a Variant of Uncertain Significance. Experimental studies and prediction algorithms are not available or were not evaluated, and the functional significance of this variant is currently unknown. This variant has not been reported in the literature in individuals affected with LPIN1-related conditions. This variant is not present in population databases (gnomAD no frequency). This sequence change creates a premature translational stop signal (p.His848Thrfs*6) in the LPIN1 gene. While this is not anticipated to result in nonsense mediated decay, it is expected to disrupt the last 43 amino acid(s) of the LPIN1 protein.

NM_001349206.2(LPIN1):c.2650del (p.His884fs)

Gene: LPIN1 (lipin 1; plus strand). Cytogenetic location: 2p25.1.
Variant type: Deletion.
Coding change: c.2650del on transcript NM_001349206.2 (MANE Select); coding-DNA position 2650, one base deleted (C; older notation c.2650delC).
Protein change: p.His884fs; shifts the reading frame from histidine 884.
Molecular consequence: frameshift variant. On other transcripts: non-coding transcript variant (1).
Genome position (GRCh38, 1-based): chr2:11,824,660, C deleted; the last of 2 consecutive C bases (chr2:11,824,659-11,824,660); deleting either gives the same sequence. VCF-style (leftmost placement, unchanged base first): chr2-11824658-AC-A. GRCh37 (hg19) VCF-style: chr2-11964784-AC-A.
Other names: c.2560del, p.His854fs (NM_001261427.3); c.2797del, p.His933fs (NM_001261428.3); c.2542del, p.His848fs (NM_001349199.2, NM_145693.4); c.2620del, p.His874fs (NM_001349200.2, NM_001349201.2); c.2647del, p.His883fs (NM_001349202.2, NM_001349203.2); c.2650del, p.His884fs (NM_001349204.2, NM_001349205.2); c.2740del, p.His914fs (NM_001349207.2); c.2689del, p.His897fs (NM_001349208.2); short protein forms H883fs, H854fs, H884fs, H848fs, H874fs, H897fs, H914fs, H933fs.
Identifiers: ClinVar variation 2112323 (VCV002112323.4), dbSNP rs2546280486, ClinGen allele CA2576679992.
Genomic context (GRCh38, chr2:11,824,658, plus strand): 5'-CTCAGTGCCAGTGACAATGTCCCTTTCCTTCCAGGTATGTGAGACTCTGTGAAGTAGTCG[AC>A]CACGTTTTCCCGTTGCTGAAAAGAAGCCATTCTTCAGACTTTCCCTGTTCGGATACCTTC-3'